The following is an entry in ClinVar:

ClinVar aggregate classification (germline): Uncertain significance. Review status: criteria provided, multiple submitters, no conflicts (2 of 4 stars). 6 submissions from 6 submitters: Uncertain significance (6). Last evaluated 2025-10-13.

Conditions:
Cardiomyopathy (CMYO). Also called: Cardiomyopathies. Identifiers: Orphanet 167848, MedGen C0878544, MONDO:0004994, HP:0001638. Inheritance: Various modes of inheritance.
Catecholaminergic polymorphic ventricular tachycardia (CVPT). Also called: Catecholamine-induced polymorphic ventricular tachycardia. Identifiers: Orphanet 3286, MedGen C5574922, MONDO:0017990.
Cardiovascular phenotype. Identifiers: MedGen CN230736.
Catecholaminergic polymorphic ventricular tachycardia 1. Also called: RYR2-Related Catecholaminergic Polymorphic Ventricular Tachycardia; VENTRICULAR TACHYCARDIA, STRESS-INDUCED POLYMORPHIC 1; VENTRICULAR TACHYCARDIA, CATECHOLAMINERGIC POLYMORPHIC, 1, WITH OR WITHOUT ATRIAL DYSFUNCTION AND/OR DILATED CARDIOMYOPATHY. Identifiers: Orphanet 3286, MedGen C1631597, MONDO:0011484, OMIM 604772.

Allele frequency attached by ClinVar (database versions not stated): TOPMed below 0.00001.
gnomAD v4.1: 4 of 1,592,690 alleles (0.00025%); highest among the groups gnomAD compares: Non-Finnish European, 0.00034%; no homozygotes.

Submissions (6):

Labcorp Genetics (formerly Invitae), Labcorp
Classification: Uncertain significance for Catecholaminergic polymorphic ventricular tachycardia 1. Last evaluated: 2025-10-13. Review status: criteria provided, single submitter. Criteria: Invitae Variant Classification Sherloc (09022015). Collection method: clinical testing. Allele origin: germline.
Comment: This sequence change replaces serine, which is neutral and polar, with isoleucine, which is neutral and non-polar, at codon 3145 of the RYR2 protein (p.Ser3145Ile). This variant is not present in population databases (gnomAD no frequency). This variant has not been reported in the literature in individuals affected with RYR2-related conditions. ClinVar contains an entry for this variant (Variation ID: 925141). Invitae Evidence Modeling of protein sequence and biophysical properties (such as structural, functional, and spatial information, amino acid conservation, physicochemical variation, residue mobility, and thermodynamic stability) indicates that this missense variant is not expected to disrupt RYR2 protein function with a negative predictive value of 95%. In summary, the available evidence is currently insufficient to determine the role of this variant in disease. Therefore, it has been classified as a Variant of Uncertain Significance.

Color Diagnostics, LLC DBA Color Health
Classification: Uncertain significance for Cardiomyopathy. Last evaluated: 2024-03-07. Review status: criteria provided, single submitter. Criteria: ACMG Guidelines, 2015. Collection method: clinical testing. Allele origin: germline.
Comment: This missense variant replaces serine with isoleucine at codon 3145 of the RYR2 protein. Computational prediction suggests that this variant may not impact protein structure and function (internally defined REVEL score threshold <= 0.5, PMID: 27666373). To our knowledge, functional studies have not been reported for this variant. This variant has not been reported in individuals affected with cardiovascular disorders in the literature. This variant has not been identified in the general population by the Genome Aggregation Database (gnomAD). The available evidence is insufficient to determine the role of this variant in disease conclusively. Therefore, this variant is classified as a Variant of Uncertain Significance.

Blueprint Genetics
Classification: Uncertain significance. Last evaluated: 2024-02-23. Review status: criteria provided, single submitter. Criteria: ACMG Guidelines, 2015. Collection method: clinical testing. Allele origin: germline.

Ambry Genetics
Classification: Uncertain significance for Cardiovascular phenotype. Last evaluated: 2023-11-16. Review status: criteria provided, single submitter. Criteria: Ambry Variant Classification Scheme 2023. Collection method: clinical testing. Allele origin: germline.
Comment: The p.S3145I variant (also known as c.9434G>T), located in coding exon 66 of the RYR2 gene, results from a G to T substitution at nucleotide position 9434. The serine at codon 3145 is replaced by isoleucine, an amino acid with dissimilar properties. This amino acid position is well conserved in available vertebrate species. In addition, the in silico prediction for this alteration is inconclusive. Since supporting evidence is limited at this time, the clinical significance of this alteration remains unclear.

GeneDx
Classification: Uncertain significance. Last evaluated: 2023-09-15. Review status: criteria provided, single submitter. Criteria: GeneDx Variant Classification Process June 2021. Collection method: clinical testing. Allele origin: germline.
Comment: Not observed at significant frequency in large population cohorts (gnomAD); In silico analysis supports that this missense variant has a deleterious effect on protein structure/function; Has not been previously published as pathogenic or benign to our knowledge; Not located in one of the three hot-spot regions of the RYR2 gene, where the majority of pathogenic missense variants occur (Medeiros-Domingo et al., 2009); This variant is associated with the following publications: (PMID: 19926015)

All of Us Research Program, National Institutes of Health
Classification: Uncertain significance for Catecholaminergic polymorphic ventricular tachycardia. Last evaluated: 2023-02-24. Review status: criteria provided, single submitter. Criteria: ACMG Guidelines, 2015. Collection method: clinical testing. Allele origin: germline. Inheritance: Autosomal dominant inheritance. Observed: 1 variant allele, 1 heterozygote.
Comment: This missense variant replaces serine with isoleucine at codon 3145 of the RYR2 protein. Computational prediction suggests that this variant may not impact protein structure and function (internally defined REVEL score threshold <= 0.5, PMID: 27666373). To our knowledge, functional studies have not been reported for this variant. This variant has not been reported in individuals affected with cardiovascular disorders in the literature. This variant has not been identified in the general population by the Genome Aggregation Database (gnomAD). The available evidence is insufficient to determine the role of this variant in disease conclusively. Therefore, this variant is classified as a Variant of Uncertain Significance.

This study involves interpretation of variants in research participants for the purpose of population health screening. Participant phenotype was not available at the time of variant classification. Additional details can be found in publication PMID: 35346344, PMCID: PMC8962531

NM_001035.3(RYR2):c.9434G>T (p.Ser3145Ile)

Gene: RYR2 (ryanodine receptor 2; plus strand). Cytogenetic location: 1q43.
Variant type: single nucleotide variant.
Coding change: c.9434G>T on transcript NM_001035.3 (MANE Select); coding-DNA position 9434, G replaced by T.
Protein change: p.Ser3145Ile; replaces serine 3145 with isoleucine.
Molecular consequence: missense variant.
Genome position (GRCh38, 1-based): chr1:237,702,044, G>T. VCF-style: chr1-237702044-G-T. GRCh37 (hg19) VCF-style: chr1-237865344-G-T.
Other names: c.9434G>T (NM_001035.2); short protein forms S3145I.
Identifiers: ClinVar variation 925141 (VCV000925141.16), dbSNP rs1688011604, ClinGen allele CA345406428.
Genomic context (GRCh38, chr1:237,702,044, plus strand): 5'-ATGTCCAGGTGTCTTGTTATAGAATTCTGACTAGCTTATATGCTTTGGGAACCAGCAAGA[G>T]TATTTACGTGGAGAGGTAAGAATGTTTAAAGTTTAACTTTGTATTAATTGCTGCTTCAAG-3'
Protein context (NP_001026.2, residues 3135-3155): TSLYALGTSK[Ser3145Ile]IYVERQRSAL